The following is an entry in ClinVar:

NM_003823.4(TNFRSF6B):c.367G>A (p.Ala123Thr)

Genes: RTEL1-TNFRSF6B (RTEL1-TNFRSF6B readthrough (NMD candidate); plus strand), TNFRSF6B (TNF receptor superfamily member 6b; plus strand). Cytogenetic location: 20q13.33.
Variant type: single nucleotide variant.
Coding change: c.367G>A on transcript NM_003823.4 (MANE Select); coding-DNA position 367, G replaced by A.
Protein change: p.Ala123Thr; replaces alanine 123 with threonine.
Molecular consequence: missense variant. On other transcripts: non-coding transcript variant (1).
Genome position (GRCh38, 1-based): chr20:63,697,134, G>A. VCF-style: chr20-63697134-G-A. GRCh37 (hg19) VCF-style: chr20-62328487-G-A.
Other names: c.367G>A (NM_003823.3); short protein forms A123T.
Identifiers: ClinVar variation 3014615 (VCV003014615.4), dbSNP rs1402787723, ClinGen allele CA409711295.

ClinVar aggregate classification (germline): Uncertain significance. Review status: criteria provided, multiple submitters, no conflicts (2 of 4 stars). 2 submissions from 2 submitters: Uncertain significance (2). Last evaluated 2024-12-25.

Allele frequency attached by ClinVar (database versions not stated): gnomAD exomes 0.00001; TOPMed 0.00004; gnomAD 0.00006.

Submissions (2):

Ambry Genetics
Classification: Uncertain significance. Last evaluated: 2024-12-25. Review status: criteria provided, single submitter. Criteria: Ambry Variant Classification Scheme 2023. Collection method: clinical testing. Allele origin: germline.

Labcorp Genetics (formerly Invitae), Labcorp
Classification: Uncertain significance. Last evaluated: 2023-06-03. Review status: criteria provided, single submitter. Criteria: Invitae Variant Classification Sherloc (09022015). Collection method: clinical testing. Allele origin: germline.
Comment: This sequence change replaces alanine, which is neutral and non-polar, with threonine, which is neutral and polar, at codon 123 of the TNFRSF6B protein (p.Ala123Thr). The frequency data for this variant in the population databases is considered unreliable, as metrics indicate poor data quality at this position in the gnomAD database. This variant has not been reported in the literature in individuals affected with TNFRSF6B-related conditions. An algorithm developed to predict the effect of missense changes on protein structure and function (PolyPhen-2) suggests that this variant is likely to be tolerated. In summary, the available evidence is currently insufficient to determine the role of this variant in disease. Therefore, it has been classified as a Variant of Uncertain Significance.